The following is an entry in ClinVar:

NM_003823.4(TNFRSF6B):c.850A>G (p.Arg284Gly)

Genes: RTEL1-TNFRSF6B (RTEL1-TNFRSF6B readthrough (NMD candidate); plus strand), TNFRSF6B (TNF receptor superfamily member 6b; plus strand). Cytogenetic location: 20q13.33.
Variant type: single nucleotide variant.
Coding change: c.850A>G on transcript NM_003823.4 (MANE Select); coding-DNA position 850, A replaced by G.
Protein change: p.Arg284Gly; replaces arginine 284 with glycine.
Molecular consequence: missense variant. On other transcripts: non-coding transcript variant (1).
Genome position (GRCh38, 1-based): chr20:63,698,510, A>G. VCF-style: chr20-63698510-A-G. GRCh37 (hg19) VCF-style: chr20-62329863-A-G.
Other names: c.850A>G (NM_003823.3); short protein forms R284G.
Identifiers: ClinVar variation 1480659 (VCV001480659.8), dbSNP rs772995877, ClinGen allele CA9966644.

ClinVar aggregate classification (germline): Uncertain significance. Review status: criteria provided, multiple submitters, no conflicts (2 of 4 stars). 2 submissions from 2 submitters: Uncertain significance (2). Last evaluated 2025-04-17.

Allele frequency attached by ClinVar (database versions not stated): gnomAD exomes 0.00001; ExAC 0.00002.

Submissions (2):

Labcorp Genetics (formerly Invitae), Labcorp
Classification: Uncertain significance. Last evaluated: 2025-04-17. Review status: criteria provided, single submitter. Criteria: Invitae Variant Classification Sherloc (09022015). Collection method: clinical testing. Allele origin: germline.
Comment: This sequence change replaces arginine, which is basic and polar, with glycine, which is neutral and non-polar, at codon 284 of the TNFRSF6B protein (p.Arg284Gly). The frequency data for this variant in the population databases is considered unreliable, as metrics indicate poor data quality at this position in the gnomAD database. This variant has not been reported in the literature in individuals affected with TNFRSF6B-related conditions. ClinVar contains an entry for this variant (Variation ID: 1480659). An algorithm developed to predict the effect of missense changes on protein structure and function outputs the following: PolyPhen-2: "Benign". The glycine amino acid residue is found in multiple mammalian species, which suggests that this missense change does not adversely affect protein function. In summary, the available evidence is currently insufficient to determine the role of this variant in disease. Therefore, it has been classified as a Variant of Uncertain Significance.

Ambry Genetics
Classification: Uncertain significance. Last evaluated: 2023-02-22. Review status: criteria provided, single submitter. Criteria: Ambry Variant Classification Scheme 2023. Collection method: clinical testing. Allele origin: germline.